The following is an entry in ClinVar:

ClinVar aggregate classification (germline): Uncertain significance. Review status: criteria provided, multiple submitters, no conflicts (2 of 4 stars). 2 submissions from 2 submitters: Uncertain significance (2). Last evaluated 2024-02-05.

Conditions:
Pancreatic cancer, susceptibility to, 1. Identifiers: Orphanet 1333, MedGen C1847351, MONDO:0011739, OMIM 606856.

Allele frequency attached by ClinVar (database versions not stated): gnomAD exomes below 0.00001; gnomAD 0.00002; TOPMed 0.00003.
gnomAD v4.1: 4 of 1,614,088 alleles (0.00025%); highest among the groups gnomAD compares: African/African-American, 0.0053%; no homozygotes.

Submissions (2):

Ambry Genetics
Classification: Uncertain significance. Last evaluated: 2024-02-05. Review status: criteria provided, single submitter. Criteria: Ambry Variant Classification Scheme 2023. Collection method: clinical testing. Allele origin: germline.
Comment: The p.Q471L variant (also known as c.1412A>T), located in coding exon 6 of the PALLD gene, results from an A to T substitution at nucleotide position 1412. The glutamine at codon 471 is replaced by leucine, an amino acid with dissimilar properties. This amino acid position is conserved. In addition, this alteration is predicted to be tolerated by in silico analysis. Since supporting evidence is limited at this time, the clinical significance of this alteration remains unclear.

Fulgent Genetics
Classification: Uncertain significance for Pancreatic cancer, susceptibility to, 1. Last evaluated: 2024-01-25. Review status: criteria provided, single submitter. Criteria: ACMG Guidelines, 2015. Collection method: clinical testing. Allele origin: germline.

NM_001166108.2(PALLD):c.1412A>T (p.Gln471Leu)

Gene: PALLD (palladin, cytoskeletal associated protein; plus strand). Cytogenetic location: 4q32.3.
Variant type: single nucleotide variant.
Coding change: c.1412A>T on transcript NM_001166108.2 (MANE Select); coding-DNA position 1412, A replaced by T.
Protein change: p.Gln471Leu; replaces glutamine 471 with leucine.
Molecular consequence: missense variant.
Genome position (GRCh38, 1-based): chr4:168,690,679, A>T. VCF-style: chr4-168690679-A-T. GRCh37 (hg19) VCF-style: chr4-169611830-A-T.
Other names: c.266A>T, p.Gln89Leu (NM_001166109.2); c.1412A>T, p.Gln471Leu (NM_016081.4); short protein forms Q471L, Q89L.
Identifiers: ClinVar variation 1772062 (VCV001772062.3), dbSNP rs923352111, ClinGen allele CA110495087.